The following is an entry in ClinVar:

NM_033380.3(COL4A5):c.2980G>A (p.Gly994Arg)

Gene: COL4A5 (collagen type IV alpha 5 chain; plus strand). Cytogenetic location: Xq22.3.
Variant type: single nucleotide variant.
Coding change: c.2980G>A on transcript NM_033380.3 (MANE Select); coding-DNA position 2980, G replaced by A.
Protein change: p.Gly994Arg; replaces glycine 994 with arginine.
Molecular consequence: missense variant.
Genome position (GRCh38, 1-based): chrX:108,624,298, G>A. VCF-style: chrX-108624298-G-A. GRCh37 (hg19) VCF-style: chrX-107867528-G-A.
Other names: c.2980G>A, p.Gly994Arg (NM_000495.5); short protein forms G994R.
Identifiers: ClinVar variation 2585041 (VCV002585041.1), dbSNP rs2524414414, ClinGen allele CA413853489.

ClinVar aggregate classification (germline): Likely pathogenic (1 of 4 stars; one submission).

Conditions:
X-linked Alport syndrome (ATS1). Also called: COL4A5-Related Nephropathy; NEPHROPATHY AND DEAFNESS, X-LINKED. Identifiers: Orphanet 63, Orphanet 88917, MedGen C4746986, MONDO:0010520, OMIM 301050.

Submission:

Neuberg Centre For Genomic Medicine, NCGM
Classification: Likely pathogenic for X-linked Alport syndrome. Review status: criteria provided, single submitter. Criteria: ACMG Guidelines, 2015. Collection method: clinical testing. Allele origin: germline. Inheritance: X-linked inheritance. Affected: yes.
Comment: The missense variant c.2980G>A (p.Gly994Arg) in COL4A5 gene has not been reported previously as a pathogenic variant nor as a benign variant, to our knowledge. The p.Gly994Arg variant is novel (not in any individuals) in gnomAD Exomes and 1000 Genomes.The amino acid Gly at position 994 is changed to a Arg changing protein sequence and it might alter its composition and physico-chemical properties. The variant is predicted to be damaging by both SIFT and PolyPhen2. The residue is conserved across species. The amino acid change p.Gly994Arg in COL4A5 is predicted as conserved by GERP++ and PhyloP across 100 vertebrates. The glycine residue is present in the triple hellical domain. Glycine residues in the triple helix domain are important. For these reasons, this variant has been classified as Likely Pathogenic .